The following is an entry in ClinVar:

ClinVar aggregate classification (germline): Uncertain significance (1 of 4 stars; one submission).

Conditions:
Cardiovascular phenotype. Identifiers: MedGen CN230736.

Submission:

Ambry Genetics
Classification: Uncertain significance for Cardiovascular phenotype. Last evaluated: 2026-09-11. Review status: criteria provided, single submitter. Criteria: Ambry Variant Classification Scheme 2023. Collection method: clinical testing. Allele origin: germline.
Comment: The p.L3037F variant (also known as c.9109C>T), located in coding exon 26 of the APOB gene, results from a C to T substitution at nucleotide position 9109. The leucine at codon 3037 is replaced by phenylalanine, an amino acid with highly similar properties. This amino acid position is conserved. In addition, this alteration is predicted to be tolerated by in silico analysis. Based on the available evidence, the clinical significance of this variant remains unclear.

NM_000384.3(APOB):c.9109C>T (p.Leu3037Phe)

Gene: APOB (apolipoprotein B; minus strand). Cytogenetic location: 2p24.1.
Variant type: single nucleotide variant.
Coding change: c.9109C>T on transcript NM_000384.3 (MANE Select); coding-DNA position 9109, C replaced by T.
Protein change: p.Leu3037Phe; replaces leucine 3037 with phenylalanine.
Molecular consequence: missense variant.
Genome position (GRCh38, 1-based): chr2:21,007,759, G>A on the plus strand (C>T on the coding strand, the complement: APOB is on the minus strand). VCF-style: chr2-21007759-G-A. GRCh37 (hg19) VCF-style: chr2-21230631-G-A.
Other names: short protein forms L3037F.
Identifiers: ClinVar variation 2531337 (VCV002531337.3), dbSNP rs986311580, ClinGen allele CA345992421.